The following is an entry in ClinVar:

NM_024685.4(BBS10):c.2123dup (p.Arg709fs)

Gene: BBS10 (Bardet-Biedl syndrome 10; minus strand). Cytogenetic location: 12q21.2.
Variant type: Duplication.
Coding change: c.2123dup on transcript NM_024685.4 (MANE Select); coding-DNA position 2123, one base duplicated (A; older notation c.2123dupA).
Protein change: p.Arg709fs; shifts the reading frame from arginine 709.
Molecular consequence: frameshift variant.
Genome position (GRCh38, 1-based): chr12:76,345,862, T duplicated on the plus strand (A on the coding strand, the reverse complement: BBS10 is on the minus strand); the first of 2 consecutive T bases (chr12:76,345,862-76,345,863); duplicating either gives the same sequence. VCF-style (leftmost placement, unchanged base first): chr12-76345861-C-CT. GRCh37 (hg19) VCF-style: chr12-76739641-C-CT.
Other names: short protein forms R709fs.
Identifiers: ClinVar variation 4816160 (VCV004816160.1).

ClinVar aggregate classification (germline): Likely pathogenic (1 of 4 stars; one submission).

Conditions:
Bardet-Biedl syndrome 10 (BBS10). Identifiers: Orphanet 110, MedGen C1859568, MONDO:0014438, OMIM 615987.

Submission:

Natera, Inc.
Classification: Likely pathogenic for Bardet-Biedl syndrome type 10. Last evaluated: 2024-10-16. Review status: criteria provided, single submitter. Criteria: Natera Variant Classification Schema (03/2026). Collection method: clinical testing. Allele origin: germline.
Comment: The c.2123dup variant in BBS10 is a frameshift variant predicted to shift the reading frame beginning at codon 709 and leads to a stop codon 14 codons downstream. This variant is expected to result in nonsense mediated decay, truncation, or a dysfunctional protein product. This variant is rare in the general population with a frequency below the threshold expected for the associated phenotype(s). Given the available evidence, this variant is classified as Likely Pathogenic.